The following is an entry in ClinVar:

NC_000011.9:g.(?_46724983)_(46727355_?)del

Gene: ZNF408 (zinc finger protein 408; plus strand). Cytogenetic location: 11p11.2.
Variant type: Deletion.
Identifiers: ClinVar variation 1441423 (VCV001441423.5).

ClinVar aggregate classification (germline): Uncertain significance (1 of 4 stars; one submission).

Submission:

Labcorp Genetics (formerly Invitae), Labcorp
Classification: Uncertain significance. Last evaluated: 2022-10-25. Review status: criteria provided, single submitter. Criteria: Invitae Variant Classification Sherloc (09022015). Collection method: clinical testing. Allele origin: germline.
Comment: This variant results in the deletion of part of exon 5 (c.652+196_2111del) of the ZNF408 gene. It affects a nucleotide within the consensus splice site. In summary, the available evidence is currently insufficient to determine the role of this variant in disease. Therefore, it has been classified as a Variant of Uncertain Significance. Variants that disrupt the consensus splice site are a relatively common cause of aberrant splicing (PMID: 17576681, 9536098). Experimental studies and prediction algorithms are not available or were not evaluated, and the functional significance of this variant is currently unknown. This variant has not been reported in the literature in individuals affected with ZNF408-related conditions.

Literature cited by the submitters: PubMed 17576681; PubMed 9536098.